The following is an entry in ClinVar:

NM_016938.5(EFEMP2):c.498C>T (p.Asp166=)

Gene: EFEMP2 (EGF-like fibulin extracellular matrix protein 2; minus strand). Cytogenetic location: 11q13.1.
Variant type: single nucleotide variant.
Coding change: c.498C>T on transcript NM_016938.5 (MANE Select); coding-DNA position 498, C replaced by T.
Protein change: p.Asp166=; no amino-acid change (aspartic acid 166 retained).
Molecular consequence: synonymous variant. On other transcripts: non-coding transcript variant (1).
Genome position (GRCh38, 1-based): chr11:65,870,230, G>A on the plus strand (C>T on the coding strand, the complement: EFEMP2 is on the minus strand). VCF-style: chr11-65870230-G-A. GRCh37 (hg19) VCF-style: chr11-65637701-G-A.
Identifiers: ClinVar variation 540030 (VCV000540030.19), dbSNP rs757273990, ClinGen allele CA6110632.

ClinVar aggregate classification (germline): Likely benign. Review status: criteria provided, multiple submitters, no conflicts (2 of 4 stars). 3 submissions from 3 submitters: Likely benign (3). Last evaluated 2026-01-28.

Conditions:
Cardiovascular phenotype. Identifiers: MedGen CN230736.
Cutis laxa, autosomal recessive, type 1B (ARCL1B). Also called: CUTIS LAXA, AUTOSOMAL RECESSIVE, TYPE IB; EFEMP2-Related Cutis Laxa. Identifiers: Orphanet 90349, MedGen C3280798, MONDO:0013754, OMIM 614437. Disease mechanism: loss of function.

Allele frequency attached by ClinVar (database versions not stated): ExAC 0.00002; gnomAD exomes 0.00003; gnomAD 0.00004 and 0.00005; TOPMed 0.00005.
gnomAD v4.1: 72 of 1,613,096 alleles (0.0045%); highest among the groups gnomAD compares: African/African-American, 0.0067%; no homozygotes.

Submissions (3):

Labcorp Genetics (formerly Invitae), Labcorp
Classification: Likely benign for Cutis laxa, autosomal recessive, type 1B. Last evaluated: 2026-01-28. Review status: criteria provided, single submitter. Criteria: Invitae Variant Classification Sherloc (09022015). Collection method: clinical testing. Allele origin: germline.

CeGaT Center for Human Genetics Tuebingen
Classification: Likely benign. Last evaluated: 2025-11-01. Review status: criteria provided, single submitter. Criteria: CeGaT Center For Human Genetics Tuebingen Variant Classification Criteria Version 2. Collection method: clinical testing. Allele origin: germline. Affected: yes. Observed: 1 variant allele.
Comment: EFEMP2: BP4, BP7

Ambry Genetics
Classification: Likely benign for Cardiovascular phenotype. Last evaluated: 2020-03-16. Review status: criteria provided, single submitter. Criteria: Ambry Variant Classification Scheme 2023. Collection method: clinical testing. Allele origin: germline.